The following is an entry in ClinVar:

NM_000051.4(ATM):c.6770A>G (p.Glu2257Gly)

Genes: ATM (ATM serine/threonine kinase; plus strand), C11orf65 (chromosome 11 open reading frame 65; minus strand). Cytogenetic location: 11q22.3.
Variant type: single nucleotide variant.
Coding change: c.6770A>G on transcript NM_000051.4 (MANE Select); coding-DNA position 6770, A replaced by G.
Protein change: p.Glu2257Gly; replaces glutamic acid 2257 with glycine.
Molecular consequence: missense variant. On other transcripts: intron variant (2).
Genome position (GRCh38, 1-based): chr11:108,325,507, A>G. VCF-style: chr11-108325507-A-G. GRCh37 (hg19) VCF-style: chr11-108196234-A-G.
Other names: c.6770A>G, p.Glu2257Gly (NM_001351834.2); c.641-16436T>C (NM_001330368.2); c.*38+9713T>C (NM_001351110.2); short protein forms E2257G.
Identifiers: ClinVar variation 4843922 (VCV004843922.1).

ClinVar aggregate classification (germline): Uncertain significance (1 of 4 stars; one submission).

Conditions:
Hereditary cancer-predisposing syndrome. Also called: Tumor predisposition; Hereditary neoplastic syndrome; Hereditary Cancer Syndrome; Neoplastic Syndromes, Hereditary. Identifiers: Orphanet 140162, MedGen C0027672, MeSH D009386, MONDO:0015356.

Submission:

Ambry Genetics
Classification: Uncertain significance for Hereditary cancer-predisposing syndrome. Last evaluated: 2026-01-02. Review status: criteria provided, single submitter. Criteria: Ambry Variant Classification Scheme 2023. Collection method: clinical testing. Allele origin: germline.
Comment: The p.E2257G variant (also known as c.6770A>G), located in coding exon 45 of the ATM gene, results from an A to G substitution at nucleotide position 6770. The glutamic acid at codon 2257 is replaced by glycine, an amino acid with similar properties. This amino acid position is well conserved in available vertebrate species. In addition, the in silico prediction for this alteration is inconclusive. Based on the available evidence, the clinical significance of this variant remains unclear.